The following is an entry in ClinVar:

ClinVar aggregate classification (germline): Uncertain significance. Review status: criteria provided, multiple submitters, no conflicts (2 of 4 stars). 2 submissions from 2 submitters: Uncertain significance (2). Last evaluated 2025-08-14.

Conditions:
Inborn genetic diseases. Identifiers: MedGen C0950123, MeSH D030342.
Autosomal dominant Parkinson disease 8. Also called: LRRK2-Related Parkinson Disease; Parkinson disease 8; Parkinson disease 8, susceptibility to. Identifiers: Orphanet 411602, MedGen C1846862, MONDO:0011764, OMIM 607060.

Submissions (2):

Ambry Genetics
Classification: Uncertain significance for Inborn genetic diseases. Last evaluated: 2025-08-14. Review status: criteria provided, single submitter. Criteria: Ambry Variant Classification Scheme 2023. Collection method: clinical testing. Allele origin: germline.

Labcorp Genetics (formerly Invitae), Labcorp
Classification: Uncertain significance for Autosomal dominant Parkinson disease 8. Last evaluated: 2025-07-23. Review status: criteria provided, single submitter. Criteria: Invitae Variant Classification Sherloc (09022015). Collection method: clinical testing. Allele origin: germline.
Comment: This sequence change replaces methionine, which is neutral and non-polar, with lysine, which is basic and polar, at codon 2408 of the LRRK2 protein (p.Met2408Lys). This variant is not present in population databases (gnomAD no frequency). This variant has not been reported in the literature in individuals affected with LRRK2-related conditions. ClinVar contains an entry for this variant (Variation ID: 2562441). Invitae Evidence Modeling of protein sequence and biophysical properties (such as structural, functional, and spatial information, amino acid conservation, physicochemical variation, residue mobility, and thermodynamic stability) indicates that this missense variant is not expected to disrupt LRRK2 protein function with a negative predictive value of 80%. In summary, the available evidence is currently insufficient to determine the role of this variant in disease. Therefore, it has been classified as a Variant of Uncertain Significance.

NM_198578.4(LRRK2):c.7223T>A (p.Met2408Lys)

Gene: LRRK2 (leucine rich repeat kinase 2; plus strand). Cytogenetic location: 12q12.
Variant type: single nucleotide variant.
Coding change: c.7223T>A on transcript NM_198578.4 (MANE Select); coding-DNA position 7223, T replaced by A.
Protein change: p.Met2408Lys; replaces methionine 2408 with lysine.
Molecular consequence: missense variant.
Genome position (GRCh38, 1-based): chr12:40,364,883, T>A. VCF-style: chr12-40364883-T-A. GRCh37 (hg19) VCF-style: chr12-40758685-T-A.
Other names: short protein forms M2408K.
Identifiers: ClinVar variation 2562441 (VCV002562441.4), dbSNP rs2500037343, ClinGen allele CA384414619.